The following is an entry in ClinVar:

NM_001378452.1(ITPR1):c.2305A>G (p.Met769Val)

Gene: ITPR1 (inositol 1,4,5-trisphosphate receptor type 1; plus strand). Cytogenetic location: 3p26.1.
Variant type: single nucleotide variant.
Coding change: c.2305A>G on transcript NM_001378452.1 (MANE Select); coding-DNA position 2305, A replaced by G.
Protein change: p.Met769Val; replaces methionine 769 with valine.
Molecular consequence: missense variant.
Genome position (GRCh38, 1-based): chr3:4,673,236, A>G. VCF-style: chr3-4673236-A-G. GRCh37 (hg19) VCF-style: chr3-4714920-A-G.
Other names: p.Met754Val; c.2305A>G, p.Met769Val (NM_001099952.4); c.2260A>G, p.Met754Val (NM_001168272.2, NM_002222.7); c.2260A>G (NM_002222.6); short protein forms M754V, M769V.
Identifiers: ClinVar variation 345712 (VCV000345712.47), dbSNP rs35789999, ClinGen allele CA2231389.

ClinVar aggregate classification (germline): Benign. Review status: criteria provided, multiple submitters, no conflicts (2 of 4 stars). 9 submissions from 9 submitters: Benign (7). 2 of the submissions do not count toward it. Last evaluated 2026-09-01.

Conditions:
Autosomal dominant cerebellar ataxia. Also called: Spinocerebellar Ataxia, Dominant. Identifiers: Orphanet 99, MedGen C4087347, MONDO:0020380.

Allele frequency attached by ClinVar (database versions not stated): 1000 Genomes Project 0.00619; 1000 Genomes Project 30x 0.00703; TOPMed 0.00837; gnomAD 0.01040 and 0.01046; ESP Exome Variant Server 0.01062; ExAC 0.01085; gnomAD exomes 0.01128 and 0.01282.
gnomAD v4.1: 20,242 of 1,613,956 alleles (1.3%); highest among the groups gnomAD compares: Non-Finnish European, 1.4%; 147 homozygotes.

Submissions (9):

CeGaT Center for Human Genetics Tuebingen
Classification: Benign. Last evaluated: 2026-09-01. Review status: criteria provided, single submitter. Criteria: CeGaT Center For Human Genetics Tuebingen Variant Classification Criteria Version 2. Collection method: clinical testing. Allele origin: germline. Affected: yes. Observed: 63 variant alleles.
Comment: ITPR1: BS1, BS2

Labcorp Genetics (formerly Invitae), Labcorp
Classification: Benign. Last evaluated: 2026-02-01. Review status: criteria provided, single submitter. Criteria: Invitae Variant Classification Sherloc (09022015). Collection method: clinical testing. Allele origin: germline.

Athena Diagnostics
Classification: Benign. Last evaluated: 2024-01-09. Review status: criteria provided, single submitter. Criteria: Athena Diagnostics Criteria. Collection method: clinical testing. Allele origin: unknown.

Mayo Clinic Laboratories, Mayo Clinic
Classification: Benign. Last evaluated: 2023-11-07. Review status: criteria provided, single submitter. Criteria: ACMG Guidelines, 2015. Collection method: clinical testing. Allele origin: germline. Observed: 13 variant alleles.
Comment: BA1, BS2

GeneDx
Classification: Benign. Last evaluated: 2019-10-17. Review status: criteria provided, single submitter. Criteria: GeneDx Variant Classification Process June 2021. Collection method: clinical testing. Allele origin: germline. Affected: yes.

Illumina Laboratory Services, Illumina
Classification: Benign for Spinocerebellar Ataxia, Dominant. Last evaluated: 2018-01-12. Review status: criteria provided, single submitter. Criteria: ICSL Variant Classification Criteria 13 December 2019. Collection method: clinical testing. Allele origin: germline.
Comment: This variant was observed in the ICSL laboratory as part of a predisposition screen in an ostensibly healthy population. It had not been previously curated by ICSL or reported in the Human Gene Mutation Database (HGMD: prior to June 1st, 2018), and was therefore a candidate for classification through an automated scoring system. Utilizing variant allele frequency, disease prevalence and penetrance estimates, and inheritance mode, an automated score was calculated to assess if this variant is too frequent to cause the disease. Based on the score and internal cut-off values, a variant classified as benign is not then subjected to further curation. The score for this variant resulted in a classification of benign for this disease.

Breakthrough Genomics
Classification: Benign. Review status: criteria provided, single submitter. Criteria: ACMG Guidelines, 2015. Collection method: not provided. Allele origin: germline. Inheritance: Autosomal dominant inheritance. Affected: yes.

Clinical Genetics DNA and cytogenetics Diagnostics Lab, Erasmus MC, Erasmus Medical Center
Classification: Benign. Review status: no assertion criteria provided. Collection method: clinical testing. Allele origin: germline. Affected: yes. Study: VKGL Data-share Consensus. Not counted in ClinVar's aggregate classification.

Laboratory of Diagnostic Genome Analysis, Leiden University Medical Center (LUMC)
Classification: Likely benign. Review status: no assertion criteria provided. Collection method: clinical testing. Allele origin: germline. Affected: yes. Study: VKGL Data-share Consensus. Not counted in ClinVar's aggregate classification.

Literature cited by the submitters: PubMed 29232918 (cited by Athena Diagnostics and Mayo Clinic Laboratories, Mayo Clinic); PubMed 27641504 (cited by Athena Diagnostics); PubMed 28440294 (cited by Athena Diagnostics); PubMed 32613038 (cited by Athena Diagnostics).